The following is an entry in ClinVar:

ClinVar aggregate classification (germline): Uncertain significance (1 of 4 stars; one submission).

Conditions:
TP63-Related Spectrum Disorders.

Allele frequency attached by ClinVar (database versions not stated): TOPMed 0.00002; gnomAD 0.00003.
gnomAD v4.1: 4 of 1,614,016 alleles (0.00025%); highest among the groups gnomAD compares: African/African-American, 0.0053%; no homozygotes.

Submission:

Labcorp Genetics (formerly Invitae), Labcorp
Classification: Uncertain significance. Last evaluated: 2023-12-11. Review status: criteria provided, single submitter. Criteria: Invitae Variant Classification Sherloc (09022015). Collection method: clinical testing. Allele origin: germline.
Comment: This sequence change replaces serine, which is neutral and polar, with alanine, which is neutral and non-polar, at codon 180 of the TP63 protein (p.Ser180Ala). This variant is present in population databases (no rsID available, gnomAD 0.01%). This variant has not been reported in the literature in individuals affected with TP63-related conditions. ClinVar contains an entry for this variant (Variation ID: 1502862). Advanced modeling of protein sequence and biophysical properties (such as structural, functional, and spatial information, amino acid conservation, physicochemical variation, residue mobility, and thermodynamic stability) performed at Invitae indicates that this missense variant is expected to disrupt TP63 protein function with a positive predictive value of 80%. In summary, the available evidence is currently insufficient to determine the role of this variant in disease. Therefore, it has been classified as a Variant of Uncertain Significance.

NM_003722.5(TP63):c.538T>G (p.Ser180Ala)

Gene: TP63 (tumor protein p63; plus strand). Cytogenetic location: 3q28.
Variant type: single nucleotide variant.
Coding change: c.538T>G on transcript NM_003722.5 (MANE Select); coding-DNA position 538, T replaced by G.
Protein change: p.Ser180Ala; replaces serine 180 with alanine.
Molecular consequence: missense variant. On other transcripts: intron variant (2).
Genome position (GRCh38, 1-based): chr3:189,808,485, T>G. VCF-style: chr3-189808485-T-G. GRCh37 (hg19) VCF-style: chr3-189526274-T-G.
Other names: c.538T>G, p.Ser180Ala (NM_001114978.2, NM_001114979.2, NM_001329144.2 and 1 more transcripts); c.256T>G, p.Ser86Ala (NM_001114980.2, NM_001114981.2, NM_001114982.2 and 2 more transcripts); c.532T>G, p.Ser178Ala (NM_001329964.2); c.42+18643T>G (NM_001329146.2, NM_001329150.2); short protein forms S178A, S180A, S86A.
Identifiers: ClinVar variation 1502862 (VCV001502862.7), dbSNP rs1002291717, ClinGen allele CA89711700.